The following is an entry in ClinVar:

ClinVar aggregate classification (germline): Pathogenic (1 of 4 stars; one submission).

Submission:

GeneDx
Classification: Pathogenic. Last evaluated: 2020-11-05. Review status: criteria provided, single submitter. Criteria: GeneDx Variant Classification Process June 2021. Collection method: clinical testing. Allele origin: germline. Affected: yes.
Comment: Canonical splice site variant predicted to result in a null allele in a gene for which loss-of-function is a known mechanism of disease; Not observed in large population cohorts (Lek et al., 2016); Has not been previously published as pathogenic or benign to our knowledge

NM_001368894.2(PAX6):c.958+2T>C

Gene: PAX6 (paired box 6; minus strand). Cytogenetic location: 11p13.
Variant type: single nucleotide variant.
Coding change: c.958+2T>C on transcript NM_001368894.2 (MANE Select); the canonical splice donor site of the intron after coding-DNA position 958, T replaced by C.
Molecular consequence: splice donor variant.
Genome position (GRCh38, 1-based): chr11:31,793,650, A>G on the plus strand (T>C on the coding strand, the complement: PAX6 is on the minus strand). VCF-style: chr11-31793650-A-G. GRCh37 (hg19) VCF-style: chr11-31815198-A-G.
Other names: c.916+2T>C (NM_001258464.2, NM_001368917.2, NM_000280.6 and 10 more transcripts); c.757+2T>C (NM_001368926.2, NM_001368927.2, NM_001368922.2 and 4 more transcripts); c.958+2T>C (NM_001368914.2, NM_001604.6, NM_001368893.2 and 6 more transcripts); c.1159+2T>C (NM_001368910.2); c.508+2T>C (NM_001368909.2, NM_001368904.2, NM_001368905.2 and 11 more transcripts); c.961+2T>C (NM_001368911.2); c.715+2T>C (NM_001368928.2); c.991+2T>C (NM_001368920.2); and 2 more.
Identifiers: ClinVar variation 429725 (VCV000429725.4), dbSNP rs1131691549, ClinGen allele CA379956234.